The following is an entry in ClinVar:

NM_173849.3(GSC):c.69G>C (p.Leu23Phe)

Gene: GSC (goosecoid homeobox; minus strand). Cytogenetic location: 14q32.13.
Variant type: single nucleotide variant.
Coding change: c.69G>C on transcript NM_173849.3 (MANE Select); coding-DNA position 69, G replaced by C.
Protein change: p.Leu23Phe; replaces leucine 23 with phenylalanine.
Molecular consequence: missense variant.
Genome position (GRCh38, 1-based): chr14:94,769,947, C>G on the plus strand (G>C on the coding strand, the complement: GSC is on the minus strand). VCF-style: chr14-94769947-C-G. GRCh37 (hg19) VCF-style: chr14-95236284-C-G.
Other names: short protein forms L23F.
Identifiers: ClinVar variation 2076799 (VCV002076799.1), dbSNP rs753414164, ClinGen allele CA7330557.

ClinVar aggregate classification (germline): Uncertain significance (1 of 4 stars; one submission).

Allele frequency attached by ClinVar (database versions not stated): ExAC 0.00020; gnomAD 0.00033; TOPMed 0.00044; 1000 Genomes Project 30x 0.00016.
gnomAD v4.1: 123 of 1,550,460 alleles (0.0079%); highest among the groups gnomAD compares: African/African-American, 0.14%; no homozygotes.

Submission:

Labcorp Genetics (formerly Invitae), Labcorp
Classification: Uncertain significance. Last evaluated: 2022-08-02. Review status: criteria provided, single submitter. Criteria: Invitae Variant Classification Sherloc (09022015). Collection method: clinical testing. Allele origin: germline.
Comment: This sequence change replaces leucine, which is neutral and non-polar, with phenylalanine, which is neutral and non-polar, at codon 23 of the GSC protein (p.Leu23Phe). This variant is present in population databases (rs753414164, gnomAD 0.2%). This variant has not been reported in the literature in individuals affected with GSC-related conditions. Algorithms developed to predict the effect of missense changes on protein structure and function are either unavailable or do not agree on the potential impact of this missense change (SIFT: "Deleterious"; PolyPhen-2: "Probably Damaging"; Align-GVGD: "Class C0"). In summary, the available evidence is currently insufficient to determine the role of this variant in disease. Therefore, it has been classified as a Variant of Uncertain Significance.